The following is an entry in ClinVar:

ClinVar aggregate classification (germline): Uncertain significance (1 of 4 stars; one submission).

Conditions:
Severe early-onset pulmonary alveolar proteinosis due to MARS deficiency. Also called: PULMONARY ALVEOLAR PROTEINOSIS, REUNION ISLAND; Interstitial lung and liver disease. Identifiers: Orphanet 440427, MedGen C4225400, MONDO:0014206, OMIM 615486.
Charcot-Marie-Tooth disease axonal type 2U. Also called: CHARCOT-MARIE-TOOTH NEUROPATHY, TYPE 2U; CHARCOT-MARIE-TOOTH DISEASE, AXONAL, AUTOSOMAL DOMINANT, TYPE 2U. Identifiers: Orphanet 397735, MedGen C4084821, MONDO:0014566, OMIM 616280.

gnomAD v4.1: 1 of 1,614,080 alleles (0.000062%); highest among the groups gnomAD compares: East Asian, 0.0022%; no homozygotes.

Submission:

Labcorp Genetics (formerly Invitae), Labcorp
Classification: Uncertain significance for Charcot-Marie-Tooth disease axonal type 2U; Severe early-onset pulmonary alveolar proteinosis due to MARS deficiency. Last evaluated: 2021-10-17. Review status: criteria provided, single submitter. Criteria: Invitae Variant Classification Sherloc (09022015). Collection method: clinical testing. Allele origin: germline.
Comment: In summary, the available evidence is currently insufficient to determine the role of this variant in disease. Therefore, it has been classified as a Variant of Uncertain Significance. This sequence change replaces arginine with glycine at codon 816 of the MARS protein (p.Arg816Gly). The arginine residue is highly conserved and there is a moderate physicochemical difference between arginine and glycine. This variant is not present in population databases (ExAC no frequency). This variant has not been reported in the literature in individuals affected with MARS-related conditions. Algorithms developed to predict the effect of missense changes on protein structure and function are either unavailable or do not agree on the potential impact of this missense change (SIFT: "Deleterious"; PolyPhen-2: "Benign"; Align-GVGD: "Class C45").

NM_004990.4(MARS1):c.2446C>G (p.Arg816Gly)

Gene: MARS1 (methionyl-tRNA synthetase 1; plus strand). Cytogenetic location: 12q13.3.
Variant type: single nucleotide variant.
Coding change: c.2446C>G on transcript NM_004990.4 (MANE Select); coding-DNA position 2446, C replaced by G.
Protein change: p.Arg816Gly; replaces arginine 816 with glycine.
Molecular consequence: missense variant.
Genome position (GRCh38, 1-based): chr12:57,515,974, C>G. VCF-style: chr12-57515974-C-G. GRCh37 (hg19) VCF-style: chr12-57909757-C-G.
Other names: short protein forms R816G.
Identifiers: ClinVar variation 1681795 (VCV001681795.6), dbSNP rs368028253, ClinGen allele CA385467112.